The following is an entry in ClinVar:

NM_152641.4(ARID2):c.3118G>A (p.Val1040Ile)

Gene: ARID2 (AT-rich interaction domain 2; plus strand). Cytogenetic location: 12q12.
Variant type: single nucleotide variant.
Coding change: c.3118G>A on transcript NM_152641.4 (MANE Select); coding-DNA position 3118, G replaced by A.
Protein change: p.Val1040Ile; replaces valine 1040 with isoleucine.
Molecular consequence: missense variant.
Genome position (GRCh38, 1-based): chr12:45,851,241, G>A. VCF-style: chr12-45851241-G-A. GRCh37 (hg19) VCF-style: chr12-46245024-G-A.
Other names: c.3118G>A, p.Val1040Ile (NM_001347839.2); short protein forms V1040I.
Identifiers: ClinVar variation 133567 (VCV000133567.1), dbSNP rs587778055, ClinGen allele CA156962.

ClinVar aggregate classification (germline): not provided (0 of 4 stars; one submission).

Allele frequency attached by ClinVar (database versions not stated): gnomAD exomes below 0.00001; TOPMed below 0.00001; gnomAD 0.00001.
gnomAD v4.1: 4 of 1,614,066 alleles (0.00025%); highest among the groups gnomAD compares: East Asian, 0.0022%; no homozygotes.

Submission:

ITMI
No classification provided. Condition: AllHighlyPenetrant. Last evaluated: 2013-09-19. Review status: no classification provided. Collection method: reference population. Allele origin: germline.
Comment: Please see associated publication for description of ethnicities

Literature cited by the submitters: PubMed 24728327.